The following is an entry in ClinVar:

ClinVar aggregate classification (germline): Uncertain significance (1 of 4 stars; one submission).

Submission:

GeneDx
Classification: Uncertain significance. Last evaluated: 2025-05-21. Review status: criteria provided, single submitter. Criteria: GeneDx Variant Classification Process June 2021. Collection method: clinical testing. Allele origin: germline.
Comment: Not observed at significant frequency in large population cohorts (gnomAD); In silico analysis supports that this missense variant has a deleterious effect on protein structure/function; Has not been previously published as pathogenic or benign to our knowledge

NM_004817.4(TJP2):c.2900C>G (p.Pro967Arg)

Gene: TJP2 (tight junction protein 2; plus strand). Cytogenetic location: 9q21.11.
Variant type: single nucleotide variant.
Coding change: c.2900C>G on transcript NM_004817.4 (MANE Select); coding-DNA position 2900, C replaced by G.
Protein change: p.Pro967Arg; replaces proline 967 with arginine.
Molecular consequence: missense variant. On other transcripts: intron variant (6).
Genome position (GRCh38, 1-based): chr9:69,249,394, C>G. VCF-style: chr9-69249394-C-G. GRCh37 (hg19) VCF-style: chr9-71864310-C-G.
Other names: c.2912C>G, p.Pro971Arg (NM_001369875.1); c.2811+1170C>G (NM_001170414.2); c.2880+1170C>G (NM_201629.3, NM_001369872.1); c.2668-1641C>G (NM_001369873.1); c.2892+1170C>G (NM_001170415.1, NM_001369874.1); c.2993C>G, p.Pro998Arg (NM_001170416.2); c.2825C>G, p.Pro942Arg (NM_001369870.1); c.2831C>G, p.Pro944Arg (NM_001369871.1); short protein forms P942R, P944R, P967R, P971R, P998R.
Identifiers: ClinVar variation 3767779 (VCV003767779.2).
Genomic context (GRCh38, chr9:69,249,394, plus strand): 5'-CTTGGATGTTCTTGTTGTGAATGAACCTTTATGTCTTGTAGAGCATAAGGAAACCCAGCC[C>G]AGAGCCACGAGCTCAGATGAGGAGGGCTGCTAGCAGCGATCAACTTAGGGACAATAGCCC-3'
Protein context (NP_004808.2, residues 957-977): QHEESIRKPS[Pro967Arg]EPRAQMRRAA